The following is an entry in ClinVar:

ClinVar aggregate classification (germline): Likely benign (0 of 4 stars; one submission).

Conditions:
DNAH2-related disorder. Also called: DNAH2-related condition.

Allele frequency attached by ClinVar (database versions not stated): gnomAD exomes 0.00004; gnomAD 0.00006; TOPMed 0.00013; ExAC 0.00017; 1000 Genomes Project 0.00020; 1000 Genomes Project 30x 0.00031.
gnomAD v4.1: 61 of 1,613,916 alleles (0.0038%); highest among the groups gnomAD compares: Admixed American, 0.068%; no homozygotes.

Submission:

PreventionGenetics, part of Exact Sciences
Classification: Likely benign for DNAH2-related condition. Last evaluated: 2019-09-17. Review status: no assertion criteria provided. Collection method: clinical testing. Allele origin: germline.
Comment: This variant is classified as likely benign based on ACMG/AMP sequence variant interpretation guidelines (Richards et al. 2015 PMID: 25741868, with internal and published modifications).

NM_020877.5(DNAH2):c.1326C>T (p.Arg442=)

Gene: DNAH2 (dynein axonemal heavy chain 2; plus strand). Cytogenetic location: 17p13.1.
Variant type: single nucleotide variant.
Coding change: c.1326C>T on transcript NM_020877.5 (MANE Select); coding-DNA position 1326, C replaced by T.
Protein change: p.Arg442=; no amino-acid change (arginine 442 retained).
Molecular consequence: synonymous variant.
Genome position (GRCh38, 1-based): chr17:7,739,888, C>T. VCF-style: chr17-7739888-C-T. GRCh37 (hg19) VCF-style: chr17-7643206-C-T.
Other names: c.1572C>T, p.Arg524= (NM_001303270.2).
Identifiers: ClinVar variation 3040842 (VCV003040842.2), dbSNP rs566718536, ClinGen allele CA8356108.